The following is an entry in ClinVar:

ClinVar aggregate classification (germline): Uncertain significance (1 of 4 stars; one submission).

Conditions:
Hereditary cancer-predisposing syndrome. Also called: Hereditary neoplastic syndrome; Hereditary Cancer Syndrome; Tumor predisposition; Neoplastic Syndromes, Hereditary. Identifiers: Orphanet 140162, MedGen C0027672, MeSH D009386, MONDO:0015356.

Submission:

Labcorp Genetics (formerly Invitae), Labcorp
Classification: Uncertain significance for Hereditary cancer-predisposing syndrome. Last evaluated: 2022-06-01. Review status: criteria provided, single submitter. Criteria: Invitae Variant Classification Sherloc (09022015). Collection method: clinical testing. Allele origin: germline.
Comment: This sequence change replaces aspartic acid, which is acidic and polar, with glutamic acid, which is acidic and polar, at codon 249 of the RAD50 protein (p.Asp249Glu). This variant is not present in population databases (gnomAD no frequency). This variant has not been reported in the literature in individuals affected with RAD50-related conditions. Algorithms developed to predict the effect of missense changes on protein structure and function output the following: SIFT: "Tolerated"; PolyPhen-2: "Benign"; Align-GVGD: "Class C0". The glutamic acid amino acid residue is found in multiple mammalian species, which suggests that this missense change does not adversely affect protein function. In summary, the available evidence is currently insufficient to determine the role of this variant in disease. Therefore, it has been classified as a Variant of Uncertain Significance.

NM_005732.4(RAD50):c.747T>G (p.Asp249Glu)

Gene: RAD50 (RAD50 double strand break repair protein; plus strand). Cytogenetic location: 5q31.1.
Variant type: single nucleotide variant.
Coding change: c.747T>G on transcript NM_005732.4 (MANE Select); coding-DNA position 747, T replaced by G.
Protein change: p.Asp249Glu; replaces aspartic acid 249 with glutamic acid.
Molecular consequence: missense variant.
Genome position (GRCh38, 1-based): chr5:132,580,057, T>G. VCF-style: chr5-132580057-T-G. GRCh37 (hg19) VCF-style: chr5-131915749-T-G.
Other names: short protein forms D249E.
Identifiers: ClinVar variation 2001582 (VCV002001582.4), dbSNP rs2479617830, ClinGen allele CA360937409.